The following is an entry in ClinVar:

NM_018474.6(KIZ):c.130T>C (p.Tyr44His)

Gene: KIZ (kizuna centrosomal protein; plus strand). Cytogenetic location: 20p11.23.
Variant type: single nucleotide variant.
Coding change: c.130T>C on transcript NM_018474.6 (MANE Select); coding-DNA position 130, T replaced by C.
Protein change: p.Tyr44His; replaces tyrosine 44 with histidine.
Molecular consequence: missense variant. On other transcripts: 5 prime UTR variant (4), intron variant (1).
Genome position (GRCh38, 1-based): chr20:21,132,137, T>C. VCF-style: chr20-21132137-T-C. GRCh37 (hg19) VCF-style: chr20-21112778-T-C.
Other names: c.-17T>C (NM_001163022.3, NM_001163023.3, NM_001352435.2); c.130T>C, p.Tyr44His (NM_001352434.2); c.-257T>C (NM_001352436.2); c.168+5933T>C (NM_001276389.2); short protein forms Y44H.
Identifiers: ClinVar variation 2119830 (VCV002119830.4), dbSNP rs2519597725, ClinGen allele CA408487956.

ClinVar aggregate classification (germline): Uncertain significance (1 of 4 stars; one submission).

Allele frequency attached by ClinVar (database versions not stated): gnomAD exomes below 0.00001.
gnomAD v4.1: 1 of 1,470,074 alleles (0.000068%); highest among the groups gnomAD compares: Non-Finnish European, 0.000093%; no homozygotes.

Submission:

Labcorp Genetics (formerly Invitae), Labcorp
Classification: Uncertain significance. Last evaluated: 2022-04-08. Review status: criteria provided, single submitter. Criteria: Invitae Variant Classification Sherloc (09022015). Collection method: clinical testing. Allele origin: germline.
Comment: In summary, the available evidence is currently insufficient to determine the role of this variant in disease. Therefore, it has been classified as a Variant of Uncertain Significance. Experimental studies and prediction algorithms are not available or were not evaluated, and the functional significance of this variant is currently unknown. This variant has not been reported in the literature in individuals affected with KIZ-related conditions. This variant is not present in population databases (gnomAD no frequency). This sequence change replaces tyrosine, which is neutral and polar, with histidine, which is basic and polar, at codon 44 of the KIZ protein (p.Tyr44His).